The following is an entry in ClinVar:

NM_005477.3(HCN4):c.3214C>T (p.Pro1072Ser)

Gene: HCN4 (hyperpolarization activated cyclic nucleotide gated potassium channel 4; minus strand). Cytogenetic location: 15q24.1.
Variant type: single nucleotide variant.
Coding change: c.3214C>T on transcript NM_005477.3 (MANE Select); coding-DNA position 3214, C replaced by T.
Protein change: p.Pro1072Ser; replaces proline 1072 with serine.
Molecular consequence: missense variant.
Genome position (GRCh38, 1-based): chr15:73,322,879, G>A on the plus strand (C>T on the coding strand, the complement: HCN4 is on the minus strand). VCF-style: chr15-73322879-G-A. GRCh37 (hg19) VCF-style: chr15-73615220-G-A.
Other names: short protein forms P1072S.
Identifiers: ClinVar variation 2629604 (VCV002629604.4), dbSNP rs771516698, ClinGen allele CA7648867.
Genomic context (GRCh38, chr15:73,322,879, plus strand): 5'-CTGGCTGAGACGCGGAGATGAGCTTGAGGTCCTGGGTGAGGCGGCCGGGGGTGAGCGGGG[G>A]TGTGCCCCGGCGCTGGGGGACCTGGGGTGGTGGGGGGCTGGATGCAGGTGGCAGGAGCAA-3'
Protein context (NP_005468.1, residues 1062-1082): PPQVPQRRGT[Pro1072Ser]PLTPGRLTQD

ClinVar aggregate classification (germline): Uncertain significance. Review status: criteria provided, multiple submitters, no conflicts (2 of 4 stars). 2 submissions from 2 submitters: Uncertain significance (2). Last evaluated 2023-01-04.

Conditions:
Brugada syndrome 8 (BRGDA8). Identifiers: Orphanet 130, MedGen C2751083, MONDO:0013148, OMIM 613123.
HCN4-related disorder. Also called: HCN4-related condition.

Allele frequency attached by ClinVar (database versions not stated): gnomAD exomes below 0.00001; gnomAD 0.00001.
gnomAD v4.1: 3 of 1,468,776 alleles (0.0002%); highest among the groups gnomAD compares: Admixed American, 0.0052%; no homozygotes.

Submissions (2):

PreventionGenetics, part of Exact Sciences
Classification: Uncertain significance for HCN4-related condition. Last evaluated: 2023-01-04. Review status: criteria provided, single submitter. Criteria: ACMG Guidelines, 2015. Collection method: clinical testing. Allele origin: germline.
Comment: The HCN4 c.3214C>T variant is predicted to result in the amino acid substitution p.Pro1072Ser. To our knowledge, this variant has not been reported in the literature or in a large population database, indicating this variant is rare. At this time, the clinical significance of this variant is uncertain due to the absence of conclusive functional and genetic evidence.

Labcorp Genetics (formerly Invitae), Labcorp
Classification: Uncertain significance for Brugada syndrome 8. Last evaluated: 2022-12-31. Review status: criteria provided, single submitter. Criteria: Invitae Variant Classification Sherloc (09022015). Collection method: clinical testing. Allele origin: germline.
Comment: This variant has not been reported in the literature in individuals affected with HCN4-related conditions. This variant is not present in population databases (gnomAD no frequency). This sequence change replaces proline, which is neutral and non-polar, with serine, which is neutral and polar, at codon 1072 of the HCN4 protein (p.Pro1072Ser). In summary, the available evidence is currently insufficient to determine the role of this variant in disease. Therefore, it has been classified as a Variant of Uncertain Significance. Advanced modeling of protein sequence and biophysical properties (such as structural, functional, and spatial information, amino acid conservation, physicochemical variation, residue mobility, and thermodynamic stability) performed at Invitae indicates that this missense variant is not expected to disrupt HCN4 protein function.